The following is an entry in ClinVar:

ClinVar aggregate classification (germline): Uncertain significance (1 of 4 stars; one submission).

Conditions:
Spastic paraplegia. Identifiers: MedGen C0037772, HP:0001258.

Submission:

Labcorp Genetics (formerly Invitae), Labcorp
Classification: Uncertain significance for Spastic paraplegia. Last evaluated: 2020-03-14. Review status: criteria provided, single submitter. Criteria: Invitae Variant Classification Sherloc (09022015). Collection method: clinical testing. Allele origin: germline.
Comment: Experimental studies and prediction algorithms are not available or were not evaluated, and the functional significance of this variant is currently unknown. In summary, the available evidence is currently insufficient to determine the role of this variant in disease. Therefore, it has been classified as a Variant of Uncertain Significance. This variant has not been reported in the literature in individuals with ARSI-related conditions. The frequency data for this variant in the population databases is considered unreliable, as metrics indicate poor data quality at this position in the ExAC database. This sequence change results in a premature translational stop signal in the ARSI gene (p.Phe303Serfs*24). While this is not anticipated to result in nonsense mediated decay, it is expected to disrupt the last 267 amino acids of the ARSI protein.

NM_001012301.4(ARSI):c.908del (p.Phe303fs)

Gene: ARSI (arylsulfatase family member I; minus strand). Cytogenetic location: 5q32.
Variant type: Deletion.
Coding change: c.908del on transcript NM_001012301.4 (MANE Select); coding-DNA position 908, one base deleted (T; older notation c.908delT).
Protein change: p.Phe303fs; shifts the reading frame from phenylalanine 303.
Molecular consequence: frameshift variant.
Genome position (GRCh38, 1-based): chr5:150,298,016, A deleted on the plus strand (T on the coding strand, the reverse complement: ARSI is on the minus strand); the first of 3 consecutive A bases (chr5:150,298,016-150,298,018); deleting any one gives the same sequence. VCF-style (leftmost placement, unchanged base first): chr5-150298015-GA-G. GRCh37 (hg19) VCF-style: chr5-149677578-GA-G.
Other names: short protein forms F303fs.
Identifiers: ClinVar variation 1051779 (VCV001051779.7), dbSNP rs771488404, ClinGen allele CA3510218.
Genomic context (GRCh38, chr5:150,298,015, plus strand): 5'-CACGCCACCTTCCCAATAAGTGCCCTTGCGTCCTCGGAGCGGCCAGTTGCTGCCCCCCGA[GA>G]AAGTCTGGCCACCATTGTCACTGGAGAAGATGATGACACTGTTGTTGTAGAAACCGTAGC-3'